The following is an entry in ClinVar:

ClinVar aggregate classification (germline): Pathogenic (1 of 4 stars; one submission).

Conditions:
Karyomegalic interstitial nephritis. Identifiers: Orphanet 401996, MedGen C3553774, MONDO:0013898, OMIM 614817.

Submission:

Victorian Clinical Genetics Services, Murdoch Childrens Research Institute
Classification: Pathogenic for Karyomegalic interstitial nephritis. Last evaluated: 2024-10-10. Review status: criteria provided, single submitter. Criteria: ACMG Guidelines, 2015. Collection method: clinical testing. Allele origin: germline. Inheritance: Autosomal recessive inheritance. Affected: yes.
Comment: Based on the classification scheme VCGS_Germline_v1.3.5, this variant is classified as Pathogenic. Following criteria are met: 0102 - Loss of function is a known mechanism of disease in this gene and is associated with interstitial nephritis, karyomegalic (MIM#614817). (I) 0106 - This gene is associated with autosomal recessive disease. (I) 0201 - Variant is predicted to cause nonsense-mediated decay (NMD) and loss of protein (premature termination codon is located at least 54 nucleotides upstream of the final exon-exon junction). (SP) 0251 - This variant is heterozygous. (I) 0301 - Variant is absent from gnomAD (v2, v3 and v4). (SP) 0701 - Other NMD-predicted variants comparable to the one identified in this case have very strong previous evidence for pathogenicity (DECIPHER). (SP) 0807 - This variant has no previous evidence of pathogenicity. (I) 0905 - No published segregation evidence has been identified for this variant. (I) 1007 - No published functional evidence has been identified for this variant. (I) 1208 - Inheritance information for this variant is not currently available in this individual. (I) Legend: (SP) - Supporting pathogenic, (I) - Information, (SB) - Supporting benign

NM_014967.5(FAN1):c.322_323del (p.Asn108fs)

Gene: FAN1 (FANCD2 and FANCI associated nuclease 1; plus strand). Cytogenetic location: 15q13.3.
Variant type: Deletion.
Coding change: c.322_323del on transcript NM_014967.5 (MANE Select); coding-DNA positions 322 to 323, 2 bases deleted (AA; older notation c.322_323delAA).
Protein change: p.Asn108fs; shifts the reading frame from asparagine 108.
Molecular consequence: frameshift variant.
Genome position (GRCh38, 1-based): chr15:30,904,985-30,904,986, AA deleted; deleting any 2 consecutive bases within chr15:30,904,984-30,904,986 gives the same sequence; the c. name uses the placement nearest the transcript's 3' end. VCF-style (leftmost placement, unchanged base first): chr15-30904983-CAA-C. GRCh37 (hg19) VCF-style: chr15-31197186-CAA-C.
Other names: c.322_323del, p.Asn108fs (NM_001146094.2, NM_001146095.1, NM_001146096.2); short protein forms N108fs.
Identifiers: ClinVar variation 3376569 (VCV003376569.1).
Genomic context (GRCh38, chr15:30,904,983, plus strand): 5'-TAGATTTAACCAGTGTTACCTTAGAAGATGTAACACCTAAGAAGTCACCACCACCAAAGA[CAA>C]ATTTAACCCCTGGCCAAAGTGATTCAGCAAAAAGGGAAGTAAAGCAGAAGATCAGTCCCT-3'